The following is an entry in ClinVar:

ClinVar aggregate classification (germline): Uncertain significance. Review status: criteria provided, multiple submitters, no conflicts (2 of 4 stars). 5 submissions from 5 submitters: Uncertain significance (3). 2 of the submissions do not count toward it. Last evaluated 2023-12-11.

Conditions:
Autosomal recessive nonsyndromic hearing loss 3. Also called: NEUROSENSORY NONSYNDROMIC RECESSIVE DEAFNESS 3. Identifiers: Orphanet 90636, MedGen C1838263, MONDO:0010860, OMIM 600316.
MYO15A-related disorder. Also called: MYO15A-related condition.

Allele frequency attached by ClinVar (database versions not stated): ExAC 0.00003; gnomAD exomes 0.00003 and 0.00006; gnomAD 0.00006 and 0.00007; TOPMed 0.00007; ESP Exome Variant Server 0.00008.
gnomAD v4.1: 55 of 1,614,086 alleles (0.0034%); highest among the groups gnomAD compares: Non-Finnish European, 0.00059%; no homozygotes.

Submissions (5):

Blueprint Genetics
Classification: Uncertain significance. Last evaluated: 2023-12-11. Review status: criteria provided, single submitter. Criteria: ACMG Guidelines, 2015. Collection method: clinical testing. Allele origin: germline.

Department of Pathology and Laboratory Medicine, Sinai Health System
Classification: Uncertain significance for Autosomal recessive nonsyndromic hearing loss 3. Last evaluated: 2020-08-27. Review status: criteria provided, single submitter. Criteria: ACMG Guidelines, 2015. Collection method: research. Allele origin: germline.

Laboratory for Molecular Medicine, Mass General Brigham Personalized Medicine
Classification: Uncertain significance. Last evaluated: 2013-06-20. Review status: criteria provided, single submitter. Criteria: LMM Criteria. Collection method: clinical testing. Allele origin: germline. Observed: 2 variant alleles.
Comment: The p.Phe1616Leu variant in MYO15A has not been reported in individuals with hea ring loss, but has been identified in 4/65798 European chromosomes by the Exome Aggregation Consortium (ExAC; dbSNP rs368430972) . Computational analyses (biochemical amino acid properties, conservation, Align GVGD, PolyPhen2, and SIFT) do not provide strong support for or against an impac t to the protein. In summary, the clinical significance of this variant cannot b e determined without additional data.

PreventionGenetics, part of Exact Sciences
Classification: Likely benign for MYO15A-related condition. Last evaluated: 2024-01-26. Review status: no assertion criteria provided. Collection method: clinical testing. Allele origin: germline. Not counted in ClinVar's aggregate classification.
Comment: This variant is classified as likely benign based on ACMG/AMP sequence variant interpretation guidelines (Richards et al. 2015 PMID: 25741868, with internal and published modifications).

Division of Human Genetics, Children's Hospital of Philadelphia
Classification: Uncertain significance for Autosomal recessive nonsyndromic hearing loss 3. Last evaluated: 2015-11-03. Review status: no assertion criteria provided. Collection method: research. Allele origin: germline. Affected: yes. Study: CSER-PediSeq. Not counted in ClinVar's aggregate classification.

NM_016239.4(MYO15A):c.4848C>G (p.Phe1616Leu)

Gene: MYO15A (myosin XVA; plus strand). Cytogenetic location: 17p11.2.
Variant type: single nucleotide variant.
Coding change: c.4848C>G on transcript NM_016239.4 (MANE Select); coding-DNA position 4848, C replaced by G.
Protein change: p.Phe1616Leu; replaces phenylalanine 1616 with leucine.
Molecular consequence: missense variant.
Genome position (GRCh38, 1-based): chr17:18,137,652, C>G. VCF-style: chr17-18137652-C-G. GRCh37 (hg19) VCF-style: chr17-18040966-C-G.
Other names: short protein forms F1616L.
Identifiers: ClinVar variation 164524 (VCV000164524.9), dbSNP rs368430972, ClinGen allele CA177224.